The following is an entry in ClinVar:

NM_000016.6(ACADM):c.355dup (p.Val119fs)

Gene: ACADM (acyl-CoA dehydrogenase medium chain; plus strand). Cytogenetic location: 1p31.1.
Variant type: Duplication.
Coding change: c.355dup on transcript NM_000016.6 (MANE Select); coding-DNA position 355, one base duplicated (G; older notation c.355dupG).
Protein change: p.Val119fs; shifts the reading frame from valine 119.
Molecular consequence: frameshift variant. On other transcripts: intron variant (1).
Genome position (GRCh38, 1-based): chr1:75,733,596, G duplicated; the last of 4 consecutive G bases (chr1:75,733,593-75,733,596); duplicating any one gives the same sequence. VCF-style (leftmost placement, unchanged base first): chr1-75733592-A-AG. GRCh37 (hg19) VCF-style: chr1-76199277-A-AG.
Other names: c.367dup, p.Val123fs (NM_001127328.3); c.247dup, p.Val83fs (NM_001286042.2); c.454dup, p.Val152fs (NM_001286043.2); c.-100+674dup (NM_001286044.2); short protein forms V123fs, V152fs, V119fs, V83fs.
Identifiers: ClinVar variation 422601 (VCV000422601.13), dbSNP rs1553123071, ClinGen allele CA16617185.

ClinVar aggregate classification (germline): Pathogenic/Likely pathogenic. Review status: criteria provided, multiple submitters, no conflicts (2 of 4 stars). 4 submissions from 4 submitters: Pathogenic (2); Likely pathogenic (2). Last evaluated 2026-01-19.

Conditions:
Medium-chain acyl-coenzyme A dehydrogenase deficiency (ACADMD). Also called: CARNITINE DEFICIENCY SECONDARY TO MEDIUM-CHAIN ACYL-CoA DEHYDROGENASE DEFICIENCY; MCADD; Medium chain acyl-CoA dehydrogenase deficiency; MCAD Deficiency; ACADM DEFICIENCY; MCADH DEFICIENCY. Identifiers: Orphanet 42, MedGen C0220710, MONDO:0008721, OMIM 201450.

Submissions (4):

Natera, Inc.
Classification: Likely pathogenic for Medium Chain Acyl-CoA Dehydrogenase Deficiency. Last evaluated: 2026-01-19. Review status: criteria provided, single submitter. Criteria: Natera Variant Classification Schema (03/2026). Collection method: clinical testing. Allele origin: germline.
Comment: The c.355dupG variant in ACADM is a frameshift variant predicted to shift the reading frame beginning at codon 119 and leads to a stop codon 6 codons downstream. This variant is expected to result in nonsense mediated decay, truncation, or a dysfunctional protein product. This variant is rare in the general population with a frequency below the threshold expected for the associated phenotype(s). Given the available evidence, this variant is classified as Likely Pathogenic.

Labcorp Genetics (formerly Invitae), Labcorp
Classification: Pathogenic for Medium-chain acyl-coenzyme A dehydrogenase deficiency. Last evaluated: 2025-12-29. Review status: criteria provided, single submitter. Criteria: Invitae Variant Classification Sherloc (09022015). Collection method: clinical testing. Allele origin: germline.
Comment: This sequence change creates a premature translational stop signal (p.Val119Glyfs*6) in the ACADM gene. It is expected to result in an absent or disrupted protein product. Loss-of-function variants in ACADM are known to be pathogenic (PMID: 16121256, 20434380). This variant is not present in population databases (gnomAD no frequency). This variant has not been reported in the literature in individuals affected with ACADM-related conditions. ClinVar contains an entry for this variant (Variation ID: 422601). Algorithms developed to predict the effect of sequence changes on RNA splicing suggest that this variant may disrupt the consensus splice site. For these reasons, this variant has been classified as Pathogenic.

Baylor Genetics
Classification: Pathogenic for Medium-chain acyl-coenzyme A dehydrogenase deficiency. Last evaluated: 2024-03-07. Review status: criteria provided, single submitter. Criteria: ACMG Guidelines, 2015. Collection method: clinical testing. Allele origin: unknown.

GeneDx
Classification: Likely pathogenic. Last evaluated: 2016-11-04. Review status: criteria provided, single submitter. Criteria: GeneDx Variant Classification (06012015). Collection method: clinical testing. Allele origin: germline. Affected: yes.
Comment: The c.355dupG variant in the ACADM gene causes a frameshift starting with codon Valine 119, changes this amino acid to a Glycine residue and creates a premature Stop codon at position 6 of the new reading frame, denoted p.Val119GlyfsX6. This variant is predicted to cause loss of normal protein function either through protein truncation or nonsense-mediated mRNA decay. Although this variant has not been previously reported to our knowledge, it is interpreted to be a likely pathogenic variant.

Literature cited by the submitters: PubMed 16121256 (cited by Labcorp Genetics (formerly Invitae), Labcorp); PubMed 20434380 (cited by Labcorp Genetics (formerly Invitae), Labcorp).